The following is an entry in ClinVar:

ClinVar aggregate classification (germline): Benign (1 of 4 stars; one submission).

Conditions:
Sick sinus syndrome 2, autosomal dominant (SSS2). Also called: ATRIAL FIBRILLATION WITH BRADYARRHYTHMIA; SINUS BRADYCARDIA SYNDROME, FAMILIAL, AUTOSOMAL DOMINANT; SINUS NODE DISEASE, FAMILIAL, AUTOSOMAL DOMINANT; SICK SINUS SYNDROME 2; SICK SINUS SYNDROME 2 WITH OR WITHOUT CARDIAC NONCOMPACTION AND/OR ASCENDING AORTA DILATION. Identifiers: Orphanet 166282, MedGen C1834144, MONDO:0008102, OMIM 163800.

Allele frequency attached by ClinVar (database versions not stated): 1000 Genomes Project 0.00958; 1000 Genomes Project 30x 0.00984; TOPMed 0.02317; gnomAD 0.02956 and 0.03038.

Submission:

Illumina Laboratory Services, Illumina
Classification: Benign for Sick sinus syndrome 2, autosomal dominant. Last evaluated: 2018-01-13. Review status: criteria provided, single submitter. Criteria: ICSL Variant Classification Criteria 13 December 2019. Collection method: clinical testing. Allele origin: germline.
Comment: This variant was observed in the ICSL laboratory as part of a predisposition screen in an ostensibly healthy population. It had not been previously curated by ICSL or reported in the Human Gene Mutation Database (HGMD: prior to June 1st, 2018), and was therefore a candidate for classification through an automated scoring system. Utilizing variant allele frequency, disease prevalence and penetrance estimates, and inheritance mode, an automated score was calculated to assess if this variant is too frequent to cause the disease. Based on the score and internal cut-off values, a variant classified as benign is not then subjected to further curation. The score for this variant resulted in a classification of benign for this disease.

NM_005477.3(HCN4):c.*1197T>C

Gene: HCN4 (hyperpolarization activated cyclic nucleotide gated potassium channel 4; minus strand). Cytogenetic location: 15q24.1.
Variant type: single nucleotide variant.
Coding change: c.*1197T>C on transcript NM_005477.3 (MANE Select); 1197 bases downstream of the stop codon, T replaced by C.
Molecular consequence: 3 prime UTR variant.
Genome position (GRCh38, 1-based): chr15:73,321,284, A>G on the plus strand (T>C on the coding strand, the complement: HCN4 is on the minus strand). VCF-style: chr15-73321284-A-G. GRCh37 (hg19) VCF-style: chr15-73613625-A-G.
Identifiers: ClinVar variation 887841 (VCV000887841.4), dbSNP rs117071871, ClinGen allele CA14154753.